The following is an entry in ClinVar:

NM_020207.7(ERCC6L2):c.500A>G (p.His167Arg)

Gene: ERCC6L2 (ERCC excision repair 6 like 2; plus strand). Cytogenetic location: 9q22.32.
Variant type: single nucleotide variant.
Coding change: c.500A>G on transcript NM_020207.7 (MANE Select); coding-DNA position 500, A replaced by G.
Protein change: p.His167Arg; replaces histidine 167 with arginine.
Molecular consequence: missense variant. On other transcripts: non-coding transcript variant (1).
Genome position (GRCh38, 1-based): chr9:95,897,877, A>G. VCF-style: chr9-95897877-A-G. GRCh37 (hg19) VCF-style: chr9-98660159-A-G.
Other names: c.500A>G, p.His167Arg (NM_001010895.4, NM_001375291.1, NM_001375292.1 and 2 more transcripts); short protein forms H167R.
Identifiers: ClinVar variation 4019364 (VCV004019364.2).
Genomic context (GRCh38, chr9:95,897,877, plus strand): 5'-ACACAGTGATTGAAAAAGTCTTTTTTCCCCAGGTTATTTCATTTCTGGCTGCAGTTTTGC[A>G]TAAAAAGGGAACTCGTGAGGATATTGAAAATAACATGCCAGAGTTTTTACTAAGAAGTAT-3'
Protein context (NP_064592.3, residues 157-177): QVISFLAAVL[His167Arg]KKGTREDIEN

ClinVar aggregate classification (germline): Uncertain significance. Review status: criteria provided, multiple submitters, no conflicts (2 of 4 stars). 2 submissions from 2 submitters: Uncertain significance (2). Last evaluated 2025-12-19.

Conditions:
Inborn genetic diseases. Identifiers: MedGen C0950123, MeSH D030342.

gnomAD v4.1: 14 of 1,612,800 alleles (0.00087%); highest among the groups gnomAD compares: South Asian, 0.0011%; no homozygotes.

Submissions (2):

Labcorp Genetics (formerly Invitae), Labcorp
Classification: Uncertain significance. Last evaluated: 2025-12-19. Review status: criteria provided, single submitter. Criteria: Invitae Variant Classification Sherloc (09022015). Collection method: clinical testing. Allele origin: germline.
Comment: This sequence change replaces histidine, which is basic and polar, with arginine, which is basic and polar, at codon 178 of the ERCC6L2 protein (p.His178Arg). This variant is present in population databases (no rsID available, gnomAD 0.0009%). This variant has not been reported in the literature in individuals affected with ERCC6L2-related conditions. ClinVar contains an entry for this variant (Variation ID: 4019364). An algorithm developed to predict the effect of missense changes on protein structure and function outputs the following: PolyPhen-2: "Not Available". The arginine amino acid residue is found in multiple mammalian species, which suggests that this missense change does not adversely affect protein function. In summary, the available evidence is currently insufficient to determine the role of this variant in disease. Therefore, it has been classified as a Variant of Uncertain Significance.

Ambry Genetics
Classification: Uncertain significance for Inborn genetic diseases. Last evaluated: 2025-05-19. Review status: criteria provided, single submitter. Criteria: Ambry Variant Classification Scheme 2023. Collection method: clinical testing. Allele origin: germline.
Comment: The p.H167R variant (also known as c.500A>G), located in coding exon 3 of the ERCC6L2 gene, results from an A to G substitution at nucleotide position 500. The histidine at codon 167 is replaced by arginine, an amino acid with highly similar properties. This amino acid position is conserved. In addition, this alteration is predicted to be tolerated by in silico analysis. Based on the available evidence, the clinical significance of this variant remains unclear.